The following is an entry in ClinVar:

NM_002439.5(MSH3):c.2953G>T (p.Asp985Tyr)

Gene: MSH3 (mutS homolog 3; plus strand). Cytogenetic location: 5q14.1.
Variant type: single nucleotide variant.
Coding change: c.2953G>T on transcript NM_002439.5 (MANE Select); coding-DNA position 2953, G replaced by T.
Protein change: p.Asp985Tyr; replaces aspartic acid 985 with tyrosine.
Molecular consequence: missense variant.
Genome position (GRCh38, 1-based): chr5:80,854,269, G>T. VCF-style: chr5-80854269-G-T. GRCh37 (hg19) VCF-style: chr5-80150088-G-T.
Other names: short protein forms D985Y.
Identifiers: ClinVar variation 2122961 (VCV002122961.4), dbSNP rs2478771916, ClinGen allele CA360275763.

ClinVar aggregate classification (germline): Uncertain significance (1 of 4 stars; one submission).

Submission:

Labcorp Genetics (formerly Invitae), Labcorp
Classification: Uncertain significance. Last evaluated: 2022-04-08. Review status: criteria provided, single submitter. Criteria: Invitae Variant Classification Sherloc (09022015). Collection method: clinical testing. Allele origin: germline.
Comment: This sequence change replaces aspartic acid, which is acidic and polar, with tyrosine, which is neutral and polar, at codon 985 of the MSH3 protein (p.Asp985Tyr). This variant is not present in population databases (gnomAD no frequency). This variant has not been reported in the literature in individuals affected with MSH3-related conditions. Algorithms developed to predict the effect of missense changes on protein structure and function are either unavailable or do not agree on the potential impact of this missense change (SIFT: "Deleterious"; PolyPhen-2: "Probably Damaging"; Align-GVGD: "Class C0"). In summary, the available evidence is currently insufficient to determine the role of this variant in disease. Therefore, it has been classified as a Variant of Uncertain Significance.